The following is an entry in ClinVar:

ClinVar aggregate classification (germline): Conflicting classifications of pathogenicity. Review status: criteria provided, conflicting classifications (1 of 4 stars). 2 submissions from 2 submitters: Likely pathogenic (1); Uncertain significance (1). Last evaluated 2025-09-05.

Conditions:
Hypertrophic cardiomyopathy. Also called: HYPERTROPHIC MYOCARDIOPATHY. Identifiers: Orphanet 217569, MedGen C0007194, MeSH D002312, MONDO:0005045, HP:0001639.

Submissions (2):

Labcorp Genetics (formerly Invitae), Labcorp
Classification: Uncertain significance for Hypertrophic cardiomyopathy. Last evaluated: 2025-09-05. Review status: criteria provided, single submitter. Criteria: Invitae Variant Classification Sherloc (09022015). Collection method: clinical testing. Allele origin: germline.
Comment: This sequence change falls in intron 23 of the MYBPC3 gene. It does not directly change the encoded amino acid sequence of the MYBPC3 protein. It affects a nucleotide within the consensus splice site. This variant is not present in population databases (gnomAD no frequency). This variant has been observed in individual(s) with hypertrophic cardiomyopathy (PMID: 25740977). ClinVar contains an entry for this variant (Variation ID: 3731124). Variants that disrupt the consensus splice site are a relatively common cause of aberrant splicing (PMID: 17576681, 9536098). Algorithms developed to predict the effect of sequence changes on RNA splicing suggest that this variant may disrupt the consensus splice site. In summary, the available evidence is currently insufficient to determine the role of this variant in disease. Therefore, it has been classified as a Variant of Uncertain Significance.

GeneDx
Classification: Likely pathogenic. Last evaluated: 2024-08-11. Review status: criteria provided, single submitter. Criteria: GeneDx Variant Classification Process June 2021. Collection method: clinical testing. Allele origin: germline. Affected: yes.
Comment: Has been reported in an individual with HCM (PMID: 25740977); Not observed at significant frequency in large population cohorts (gnomAD); Intronic variant directly or indirectly altering the +5 splice site in a gene for which loss of function is a known mechanism of disease, and splice predictors support a deleterious effect; This variant is associated with the following publications: (PMID: 25740977)

Literature cited by the submitters: PubMed 25740977 (cited by Labcorp Genetics (formerly Invitae), Labcorp); PubMed 17576681 (cited by Labcorp Genetics (formerly Invitae), Labcorp); PubMed 9536098 (cited by Labcorp Genetics (formerly Invitae), Labcorp).

NM_000256.3(MYBPC3):c.2308+5G>A

Gene: MYBPC3 (myosin binding protein C3; minus strand). Cytogenetic location: 11p11.2.
Variant type: single nucleotide variant.
Coding change: c.2308+5G>A on transcript NM_000256.3 (MANE Select); 5 bases into the intron after coding-DNA position 2308, G replaced by A.
Molecular consequence: intron variant.
Genome position (GRCh38, 1-based): chr11:47,338,515, C>T on the plus strand (G>A on the coding strand, the complement: MYBPC3 is on the minus strand). VCF-style: chr11-47338515-C-T. GRCh37 (hg19) VCF-style: chr11-47360066-C-T.
Identifiers: ClinVar variation 3731124 (VCV003731124.2).